The following is an entry in ClinVar:

ClinVar aggregate classification (germline): Uncertain significance (0 of 4 stars; one submission).

Conditions:
Ataxia-telangiectasia syndrome (AT). Also called: Ataxia-telangiectasia, complementation group D; AT, COMPLEMENTATION GROUP C; Ataxia-telangiectasia; ATAXIA-TELANGIECTASIA, COMPLEMENTATION GROUP A; ATAXIA-TELANGIECTASIA, FRESNO VARIANT; Ataxia-telangiectasia, complementation group E. Identifiers: Orphanet 100, MedGen C0004135, MONDO:0008840, OMIM 208900.

Submission:

Labcorp Genetics (formerly Invitae), Labcorp
Classification: Uncertain significance for Ataxia-telangiectasia syndrome. Last evaluated: 2014-06-11. Review status: no assertion criteria provided. Collection method: clinical testing. Allele origin: germline.
Comment: The interpretation for this sequence variant was made by Invitae based on the ACMG guidelines.

NM_000051.4(ATM):c.8863_8865del (p.Asp2955del)

Genes: ATM (ATM serine/threonine kinase; plus strand), C11orf65 (chromosome 11 open reading frame 65; minus strand). Cytogenetic location: 11q22.3.
Variant type: Deletion.
Coding change: c.8863_8865del on transcript NM_000051.4 (MANE Select); coding-DNA positions 8863 to 8865, 3 bases deleted (GAT; older notation c.8863_8865delGAT).
Protein change: p.Asp2955del; deletes aspartic acid 2955.
Molecular consequence: inframe deletion. On other transcripts: intron variant (2), inframe indel (1).
Genome position (GRCh38, 1-based): chr11:108,365,094-108,365,096, GAT deleted; deleting any 3 consecutive bases within chr11:108,365,092-108,365,096 gives the same sequence; the c. name uses the placement nearest the transcript's 3' end. VCF-style (leftmost placement, unchanged base first): chr11-108365091-TATG-T. GRCh37 (hg19) VCF-style: chr11-108235818-TATG-T.
Other names: c.8863_8865del, p.Asp2955del (NM_001351834.2); c.640+20826_640+20828del (NM_001330368.2); c.694+20826_694+20828del (NM_001351110.2); c.8861_8863delATG (NM_000051.3); short protein forms D2955del.
Identifiers: ClinVar variation 135786 (VCV000135786.3), dbSNP rs587780644, ClinGen allele CA332366.
Genomic context (GRCh38, chr11:108,365,091, plus strand): 5'-TGTGATTAAAATGTACATTGTTCTTTTAATACATATGTTCTCTCTGTTTAGGTCCTTCTA[TATG>T]ATCCACTCTTTGACTGGACCATGAATCCTTTGAAAGCTTTGTATTTACAGCAGAGGCCGG-3'